The following is an entry in ClinVar:

ClinVar aggregate classification (germline): Likely benign. Review status: criteria provided, multiple submitters, no conflicts (2 of 4 stars). 2 submissions from 2 submitters: Likely benign (2). Last evaluated 2025-11-24.

Conditions:
Hereditary breast ovarian cancer syndrome. Also called: Hereditary breast and ovarian cancer syndrome; Hereditary breast and ovarian cancer; Breast and ovarian cancer; BRCA1- and BRCA2-Associated Hereditary Breast and Ovarian Cancer; Hereditary breast and/or ovarian cancer syndrome; Hereditary breast and ovarian cancer syndrome (HBOC). Identifiers: Orphanet 145, MedGen C0677776, MeSH D061325, MONDO:0003582. Disease mechanism: loss of function.

Submissions (2):

Labcorp Genetics (formerly Invitae), Labcorp
Classification: Likely benign for Hereditary breast ovarian cancer syndrome. Last evaluated: 2025-11-24. Review status: criteria provided, single submitter. Criteria: Invitae Variant Classification Sherloc (09022015). Collection method: clinical testing. Allele origin: germline.

GeneDx
Classification: Likely benign. Last evaluated: 2016-05-31. Review status: criteria provided, single submitter. Criteria: GeneDx Variant Classification (06012015). Collection method: clinical testing. Allele origin: germline. Affected: yes.
Comment: This variant is considered likely benign or benign based on one or more of the following criteria: it is a conservative change, it occurs at a poorly conserved position in the protein, it is predicted to be benign by multiple in silico algorithms, and/or has population frequency not consistent with disease.

NM_000059.4(BRCA2):c.9597T>C (p.Thr3199=)

Gene: BRCA2 (BRCA2 DNA repair associated; plus strand). Cytogenetic location: 13q13.1.
Variant type: single nucleotide variant.
Coding change: c.9597T>C on transcript NM_000059.4 (MANE Select); coding-DNA position 9597, T replaced by C.
Protein change: p.Thr3199=; no amino-acid change (threonine 3199 retained).
Molecular consequence: synonymous variant.
Genome position (GRCh38, 1-based): chr13:32,396,993, T>C. VCF-style: chr13-32396993-T-C. GRCh37 (hg19) VCF-style: chr13-32971130-T-C.
Identifiers: ClinVar variation 386699 (VCV000386699.2), dbSNP rs1057522578, ClinGen allele CA16607499.